The following is an entry in ClinVar:

NM_014467.3(SRPX2):c.961+12C>T

Gene: SRPX2 (sushi repeat containing protein X-linked 2; plus strand). Cytogenetic location: Xq22.1.
Variant type: single nucleotide variant.
Coding change: c.961+12C>T on transcript NM_014467.3 (MANE Select); 12 bases into the intron after coding-DNA position 961, C replaced by T.
Molecular consequence: intron variant.
Genome position (GRCh38, 1-based): chrX:100,666,945, C>T. VCF-style: chrX-100666945-C-T. GRCh37 (hg19) VCF-style: chrX-99921942-C-T.
Identifiers: ClinVar variation 139324 (VCV000139324.1), dbSNP rs373436594, ClinGen allele CA293766.

ClinVar aggregate classification (germline): Benign (1 of 4 stars; one submission).

Allele frequency attached by ClinVar (database versions not stated): gnomAD exomes 0.00003 and 0.00005; ExAC 0.00007; ESP Exome Variant Server 0.00009; 1000 Genomes Project 30x 0.00021; gnomAD 0.00025 and 0.00031; 1000 Genomes Project 0.00026; TOPMed 0.00029.
gnomAD v4.1: 60 of 1,202,864 alleles (0.005%); highest among the groups gnomAD compares: African/African-American, 0.077%; no homozygotes.

Submission:

GeneDx
Classification: Benign. Last evaluated: 2013-12-23. Review status: criteria provided, single submitter. Criteria: GeneDx Variant Classification (06012015). Collection method: clinical testing. Allele origin: germline. Affected: yes.
Comment: This variant is considered likely benign or benign based on one or more of the following criteria: it is a conservative change, it occurs at a poorly conserved position in the protein, it is predicted to be benign by multiple in silico algorithms, and/or has population frequency not consistent with disease.